The following is an entry in ClinVar:

ClinVar aggregate classification (germline): Pathogenic/Likely pathogenic. Review status: criteria provided, multiple submitters, no conflicts (2 of 4 stars). 8 submissions from 8 submitters: Pathogenic (2); Likely pathogenic (4). 2 of the submissions do not count toward it. Last evaluated 2026-02-20.

Conditions:
Nonsyndromic genetic hearing loss. Also called: Nonsyndromic hearing loss and deafness; Non-syndromic genetic deafness; Nonsyndromic genetic deafness. Identifiers: Orphanet 87884, MedGen C5680182, MONDO:0019497.
Autosomal recessive nonsyndromic hearing loss 1A (DFNB1A). Also called: Nonsyndromic Hearing Loss and Deafness, DFNB1; GJB6-Related DFNB 1 Nonsyndromic Hearing Loss and Deafness; Deafness, autosomal recessive 1A; Connexin 26 deafness; Deafness nonsyndromic, Connexin 26 linked; GJB2-Related Autosomal Recessive Nonsyndromic Hearing Loss. Identifiers: Orphanet 90636, MedGen C2673759, MONDO:0009076, OMIM 220290.
Mutilating keratoderma (VOWNKL). Also called: Keratoderma hereditarium mutilans. Identifiers: Orphanet 494, MedGen C0265964, MONDO:0007422, OMIM 124500.
Ichthyosis, hystrix-like, with hearing loss. Also called: Hystrix-like ichthyosis with deafness. Identifiers: Orphanet 477, MedGen C1865234, MONDO:0011245.
Autosomal dominant keratitis-ichthyosis-hearing loss syndrome. Also called: KID SYNDROME, AUTOSOMAL DOMINANT; Senter syndrome; HID SYNDROME. Identifiers: Orphanet 477, MedGen C0265336, MONDO:0007850, OMIM 148210.
Palmoplantar keratoderma-deafness syndrome. Also called: Keratoderma palmoplantar, with deafness; Palmoplantar keratoderma and sensorineural deafness; Hereditary palmoplantar keratoderma with deafness (subtype); Focal palmoplantar keratoderma with sensorineural deafness (subtype); Diffuse palmoplantar keratoderma with deafness (subtype). Identifiers: Orphanet 2202, MedGen C1835672, MONDO:0007852, OMIM 148350.
Knuckle pads, deafness AND leukonychia syndrome. Also called: Bart-Pumphrey syndrome. Identifiers: Orphanet 2698, MedGen C0266004, MONDO:0007866, OMIM 149200.
Autosomal dominant nonsyndromic hearing loss 3A. Identifiers: Orphanet 90635, MedGen C2675750, MONDO:0011103, OMIM 601544.

Allele frequency attached by ClinVar (database versions not stated): gnomAD 0.00001; gnomAD exomes 0.00001 and 0.00004; TOPMed 0.00001; ExAC 0.00001.

Submissions (8):

Women's Health and Genetics/Laboratory Corporation of America, LabCorp
Classification: Pathogenic for Autosomal recessive nonsyndromic hearing loss 1A. Last evaluated: 2026-02-20. Review status: criteria provided, single submitter. Criteria: LabCorp Variant Classification Summary - May 2015. Collection method: clinical testing. Allele origin: germline.
Comment: Variant summary: GJB2 c.60T>G (p.Ile20Met) results in a conservative amino acid change in the encoded protein sequence. Algorithms developed to predict the effect of missense changes on protein structure and function are either unavailable or do not agree on the potential impact of this missense change. The variant allele was found at a frequency of 3.6e-05 in 249864 control chromosomes. c.60T>G has been observed in individuals affected with Non-Syndromic Hearing Loss in compound heterozygous or heterozygous status (Wu_2002, Wu_2003, Putcha_2007, Banjara_2015, internal data). These data indicate that the variant is likely to be associated with disease. To our knowledge, no experimental evidence demonstrating an impact on protein function has been reported. A different variant affecting the same codon has been classified as pathogenic (c.59T>C, p.Ile20Thr), supporting the critical relevance of codon 20 to GJB2 protein function. The following publications have been ascertained in the context of this evaluation (PMID: 12172394, 12910486, 17666888, 27340645). ClinVar contains an entry for this variant (Variation ID: 438615). To our knowledge, this variant has not been reported in individuals with autosomal dominant GJB2-related conditions. Based on the evidence outlined above, the variant was classified as pathogenic for autosomal recessive nonsyndromic deafness.

Labcorp Genetics (formerly Invitae), Labcorp
Classification: Likely pathogenic. Last evaluated: 2026-01-29. Review status: criteria provided, single submitter. Criteria: Invitae Variant Classification Sherloc (09022015). Collection method: clinical testing. Allele origin: germline.
Comment: This sequence change replaces isoleucine, which is neutral and non-polar, with methionine, which is neutral and non-polar, at codon 20 of the GJB2 protein (p.Ile20Met). This variant is present in population databases (rs749693224, gnomAD 0.08%). This missense change has been observed in individual(s) with deafness (PMID: 12172394, 12910486, 17666888; internal data). In at least one individual the data is consistent with being in trans (on the opposite chromosome) from a pathogenic variant. ClinVar contains an entry for this variant (Variation ID: 438615). Invitae Evidence Modeling of protein sequence and biophysical properties (such as structural, functional, and spatial information, amino acid conservation, physicochemical variation, residue mobility, and thermodynamic stability) has been performed for this missense variant. However, the output from this modeling did not meet the statistical confidence thresholds required to predict the impact of this variant on GJB2 protein function. This variant disrupts the p.Ile20 amino acid residue in GJB2. Other variant(s) that disrupt this residue have been determined to be pathogenic (PMID: 11313763, 12189487, 16217030, 16380907). This suggests that this residue is clinically significant, and that variants that disrupt this residue are likely to be disease-causing. In summary, the currently available evidence indicates that the variant is pathogenic, but additional data are needed to prove that conclusively. Therefore, this variant has been classified as Likely Pathogenic.

Natera, Inc.
Classification: Likely pathogenic for Autosomal recessive deafness type 1A. Last evaluated: 2025-09-24. Review status: criteria provided, single submitter. Criteria: Natera Variant Classification Schema (03/2026). Collection method: clinical testing. Allele origin: germline.
Comment: The c.60T>G variant in GJB2 is a missense variant predicted to cause substitution of isoleucine to methionine at amino acid 20. This variant is rare in the general population with a frequency below the threshold expected for the associated phenotype(s). This variant has been observed in one or more individuals affected with the associated recessive disease, as either homozygous or compound heterozygous with a second variant (PMID: 27340645). A different variant at the same position has been determined to be Pathogenic or Likely Pathogenic. Computational prediction algorithms indicate this variant is likely to affect gene or protein function. Given the available evidence, this variant is classified as Likely Pathogenic.

Myriad Genetics, Inc.
Classification: Likely pathogenic for Nonsyndromic genetic hearing loss. Last evaluated: 2025-03-13. Review status: criteria provided, single submitter. Criteria: Myriad Autosomal Dominant, Autosomal Recessive and X-Linked Classification Criteria (2023). Collection method: clinical testing. Allele origin: unknown.
Comment: NM_004004.5(GJB2):c.60T>G(I20M) is a missense variant classified as likely pathogenic in the context of GJB2-related DFNB1 nonsyndromic hearing loss and deafness. I20M has been observed in cases with relevant disease (PMID: 27340645). Relevant functional assessments of this variant are not available in the literature. I20M has been observed in referenced population frequency databases. In summary, NM_004004.5(GJB2):c.60T>G(I20M) is a missense variant that has been observed more frequently in cases with the relevant disease than in healthy populations. Please note: this variant was assessed in the context of healthy population screening.

Laboratory of Prof. Karen Avraham, Tel Aviv University
Classification: Pathogenic for Autosomal recessive nonsyndromic hearing loss 1A. Last evaluated: 2024-11-25. Review status: criteria provided, single submitter. Criteria: ACMG Guidelines, 2015. Collection method: research. Allele origin: germline. Inheritance: Autosomal recessive inheritance. Affected: yes. Observed: 1 variant allele.
Comment: The p.(Ile20Met) variant was detected in five compound heterozygous probands, three for p.I20M/c.167delT and two for p.I20M/c.35delG, all of them with mild-moderate HL. Segregation analysis in these families supported pathogenicity of the variant.

DFNA3A; high-tone HL, normal-moderate

Fulgent Genetics
Classification: Likely pathogenic for Mutilating keratoderma; Autosomal dominant keratitis-ichthyosis-hearing loss syndrome; Palmoplantar keratoderma-deafness syndrome; Knuckle pads, deafness AND leukonychia syndrome; Autosomal recessive nonsyndromic hearing loss 1A; Autosomal dominant nonsyndromic hearing loss 3A. Last evaluated: 2024-03-26. Review status: criteria provided, single submitter. Criteria: ACMG Guidelines, 2015. Collection method: clinical testing. Allele origin: germline.

Counsyl
Classification: Uncertain significance for Autosomal recessive nonsyndromic hearing loss 1A. Last evaluated: 2018-01-31. Review status: flagged submission. Collection method: clinical testing. Allele origin: unknown. Not counted in ClinVar's aggregate classification.
ClinVar note: Reason: Older claim that does not account for recent evidence

Genomic Diagnostic Laboratory, Division of Genomic Diagnostics, Children's Hospital of Philadelphia
Classification: Uncertain significance for Deafness, autosomal recessive 1A. Last evaluated: 2017-05-09. Review status: flagged submission. Criteria: DGD Variant Analysis Guidelines. Collection method: clinical testing. Allele origin: germline. Affected: yes. Observed: 1 variant allele. Not counted in ClinVar's aggregate classification.
ClinVar note: Reason: Older claim that does not account for recent evidence

Literature cited by the submitters: PubMed 12172394 (cited by 3 submitters); PubMed 17666888 (cited by 3 submitters); PubMed 27340645 (cited by 3 submitters); PubMed 12910486 (cited by 3 submitters); PubMed 11313763 (cited by Labcorp Genetics (formerly Invitae), Labcorp); PubMed 12189487 (cited by Labcorp Genetics (formerly Invitae), Labcorp); PubMed 16217030 (cited by Labcorp Genetics (formerly Invitae), Labcorp); PubMed 16380907 (cited by Labcorp Genetics (formerly Invitae), Labcorp).

NM_004004.6(GJB2):c.60T>G (p.Ile20Met)

Gene: GJB2 (gap junction protein beta 2; minus strand). Cytogenetic location: 13q12.11.
Variant type: single nucleotide variant.
Coding change: c.60T>G on transcript NM_004004.6 (MANE Select); coding-DNA position 60, T replaced by G.
Protein change: p.Ile20Met; replaces isoleucine 20 with methionine.
Molecular consequence: missense variant.
Genome position (GRCh38, 1-based): chr13:20,189,522, A>C on the plus strand (T>G on the coding strand, the complement: GJB2 is on the minus strand). VCF-style: chr13-20189522-A-C. GRCh37 (hg19) VCF-style: chr13-20763661-A-C.
Other names: short protein forms I20M.
Identifiers: ClinVar variation 438615 (VCV000438615.17), dbSNP rs749693224, ClinGen allele CA6904326.